The following is an entry in ClinVar:

ClinVar aggregate classification (germline): Uncertain significance. Review status: criteria provided, multiple submitters, no conflicts (2 of 4 stars). 9 submissions from 9 submitters: Uncertain significance (8). 1 of the submissions does not count toward it. Last evaluated 2026-02-04.

Conditions:
Von Hippel-Lindau syndrome (VHLS). Also called: VHL syndrome; von Hippel–Lindau syndrome; Von Hippel-Lindau. Identifiers: Orphanet 892, MedGen C0019562, MONDO:0008667, OMIM 193300. Disease mechanism: loss of function.
Chuvash polycythemia. Also called: POLYCYTHEMIA, VHL-DEPENDENT. Identifiers: Orphanet 238557, MedGen C1837915, MONDO:0009892, OMIM 263400.
Hereditary cancer-predisposing syndrome. Also called: Tumor predisposition; Hereditary Cancer Syndrome; Neoplastic Syndromes, Hereditary; Hereditary neoplastic syndrome. Identifiers: Orphanet 140162, MedGen C0027672, MeSH D009386, MONDO:0015356.

Allele frequency attached by ClinVar (database versions not stated): gnomAD exomes 0.00001; gnomAD 0.00002; TOPMed 0.00002; ExAC 0.00008.
gnomAD v4.1: 20 of 1,535,076 alleles (0.0013%); highest among the groups gnomAD compares: Middle Eastern, 0.023%; no homozygotes.

Submissions (9):

Labcorp Genetics (formerly Invitae), Labcorp
Classification: Uncertain significance for Von Hippel-Lindau syndrome; Chuvash polycythemia. Last evaluated: 2026-02-04. Review status: criteria provided, single submitter. Criteria: Invitae Variant Classification Sherloc (09022015). Collection method: clinical testing. Allele origin: germline.
Comment: This sequence change replaces alanine, which is neutral and non-polar, with valine, which is neutral and non-polar, at codon 5 of the VHL protein (p.Ala5Val). The frequency data for this variant in the population databases is considered unreliable, as metrics indicate poor data quality at this position in the gnomAD database. This variant has not been reported in the literature in individuals affected with VHL-related conditions. ClinVar contains an entry for this variant (Variation ID: 216476). An algorithm developed to predict the effect of missense changes on protein structure and function outputs the following: PolyPhen-2: "Possibly Damaging". The valine amino acid residue is found in multiple mammalian species, which suggests that this missense change does not adversely affect protein function. In summary, the available evidence is currently insufficient to determine the role of this variant in disease. Therefore, it has been classified as a Variant of Uncertain Significance.

Color Diagnostics, LLC DBA Color Health
Classification: Uncertain significance for Von Hippel-Lindau syndrome. Last evaluated: 2025-06-11. Review status: criteria provided, single submitter. Criteria: ACMG Guidelines, 2015. Collection method: clinical testing. Allele origin: germline.
Comment: This missense variant replaces alanine with valine at codon 5 of the VHL protein. Computational prediction suggests that this variant may not impact protein structure and function. To our knowledge, functional studies have not been reported for this variant. This variant has not been reported in individuals affected with VHL-related disorders in the literature. This variant has not been identified in the general population by the Genome Aggregation Database (gnomAD). The available evidence is insufficient to determine the role of this variant in disease conclusively. Therefore, this variant is classified as a Variant of Uncertain Significance.

St. Jude Molecular Pathology, St. Jude Children's Research Hospital
Classification: Uncertain significance for Von Hippel-Lindau syndrome. Last evaluated: 2024-06-27. Review status: criteria provided, single submitter. Criteria: St. Jude Assertion Criteria 2020. Collection method: clinical testing. Allele origin: germline.
Comment: The VHL c.14C>T (p.Ala5Val) missense change has a maximum subpopulation frequency of 0.004% in gnomAD v2.1.1. The in silico tool REVEL predicts a benign effect on protein function, but to our knowledge this prediction has not been confirmed by functional studies. To our knowledge, this variant has not been reported in individuals with Von Hippel-Lindau disease. In summary, the evidence currently available is insufficient to determine the role of this variant in disease. It has therefore been classified as of uncertain significance.

Ambry Genetics
Classification: Uncertain significance for Hereditary cancer-predisposing syndrome. Last evaluated: 2024-06-26. Review status: criteria provided, single submitter. Criteria: Ambry Variant Classification Scheme 2023. Collection method: clinical testing. Allele origin: germline.
Comment: The p.A5V variant (also known as c.14C>T), located in coding exon 1 of the VHL gene, results from a C to T substitution at nucleotide position 14. The alanine at codon 5 is replaced by valine, an amino acid with similar properties. This amino acid position is well conserved in available vertebrate species. In addition, the in silico prediction for this alteration is inconclusive. Based on the available evidence, the clinical significance of this variant remains unclear.

Baylor Genetics
Classification: Uncertain significance for Chuvash polycythemia. Last evaluated: 2024-03-06. Review status: criteria provided, single submitter. Criteria: ACMG Guidelines, 2015. Collection method: clinical testing. Allele origin: unknown.

Molecular Pathology, Peter Maccallum Cancer Centre
Classification: Uncertain significance for Von Hippel-Lindau syndrome. Last evaluated: 2024-03-01. Review status: criteria provided, single submitter. Criteria: ACMG Guidelines, 2015. Collection method: clinical testing. Allele origin: germline. Inheritance: Autosomal dominant inheritance.

All of Us Research Program, National Institutes of Health
Classification: Uncertain significance for Von Hippel-Lindau syndrome. Last evaluated: 2023-04-03. Review status: criteria provided, single submitter. Criteria: ACMG Guidelines, 2015. Collection method: clinical testing. Allele origin: germline. Inheritance: Autosomal dominant inheritance. Observed: 1 variant allele, 1 heterozygote.
Comment: This missense variant replaces alanine with valine at codon 5 of the VHL protein. Computational prediction suggests that this variant may not impact protein structure and function (internally defined REVEL score threshold <= 0.5, PMID: 27666373). To our knowledge, functional studies have not been reported for this variant. This variant has not been reported in individuals affected with VHL-related disorders in the literature. This variant has not been identified in the general population by the Genome Aggregation Database (gnomAD). The available evidence is insufficient to determine the role of this variant in disease conclusively. Therefore, this variant is classified as a Variant of Uncertain Significance.

This study involves interpretation of variants in research participants for the purpose of population health screening. Participant phenotype was not available at the time of variant classification. Additional details can be found in publication PMID: 35346344, PMCID: PMC8962531

GeneDx
Classification: Uncertain significance. Last evaluated: 2021-07-08. Review status: criteria provided, single submitter. Criteria: GeneDx Variant Classification Process June 2021. Collection method: clinical testing. Allele origin: germline. Affected: yes.
Comment: Not observed at significant frequency in large population cohorts (Lek 2016); In silico analysis, which includes protein predictors and evolutionary conservation, supports that this variant does not alter protein structure/function; Has not been previously published as pathogenic or benign to our knowledge; This variant is associated with the following publications: (PMID: 27535533)

Counsyl
Classification: Uncertain significance for Von Hippel-Lindau syndrome. Last evaluated: 2016-09-14. Review status: no assertion criteria provided. Collection method: clinical testing. Allele origin: unknown. Not counted in ClinVar's aggregate classification.

Literature cited by the submitters: PubMed 29684080 (cited by Ambry Genetics).

NM_000551.4(VHL):c.14C>T (p.Ala5Val)

Gene: VHL (von Hippel-Lindau tumor suppressor; plus strand). Cytogenetic location: 3p25.3.
Variant type: single nucleotide variant.
Coding change: c.14C>T on transcript NM_000551.4 (MANE Select); coding-DNA position 14, C replaced by T.
Protein change: p.Ala5Val; replaces alanine 5 with valine.
Molecular consequence: missense variant.
Genome position (GRCh38, 1-based): chr3:10,141,861, C>T. VCF-style: chr3-10141861-C-T. GRCh37 (hg19) VCF-style: chr3-10183545-C-T.
Other names: c.14C>T, p.Ala5Val (NM_001354723.2, NM_198156.3); short protein forms A5V.
Identifiers: ClinVar variation 216476 (VCV000216476.26), dbSNP rs755333116, ClinGen allele CA039495.
Genomic context (GRCh38, chr3:10,141,861, plus strand): 5'-CGCGGATCCCGCGGCGTCCGGCCCGGGTGGTCTGGATCGCGGAGGGAATGCCCCGGAGGG[C>T]GGAGAACTGGGACGAGGCCGAGGTAGGCGCGGAGGAGGCAGGCGTCGAAGAGTACGGCCC-3'
Protein context (NP_000542.1, residues 1-15): MPRR[Ala5Val]ENWDEAEVGA